The following is an entry in ClinVar:

ClinVar aggregate classification (germline): Uncertain significance (1 of 4 stars; one submission).

Allele frequency attached by ClinVar (database versions not stated): gnomAD 0.00001; TOPMed 0.00001; ExAC 0.00002; gnomAD exomes 0.00003.
gnomAD v4.1: 41 of 1,613,746 alleles (0.0025%); highest among the groups gnomAD compares: Middle Eastern, 0.033%; no homozygotes.

Submission:

Labcorp Genetics (formerly Invitae), Labcorp
Classification: Uncertain significance. Last evaluated: 2026-01-18. Review status: criteria provided, single submitter. Criteria: Invitae Variant Classification Sherloc (09022015). Collection method: clinical testing. Allele origin: germline.
Comment: This sequence change replaces asparagine, which is neutral and polar, with serine, which is neutral and polar, at codon 521 of the DUOX2 protein (p.Asn521Ser). This variant is present in population databases (rs770190459, gnomAD 0.004%). This variant has not been reported in the literature in individuals affected with DUOX2-related conditions. ClinVar contains an entry for this variant (Variation ID: 1941067). Invitae Evidence Modeling of protein sequence and biophysical properties (such as structural, functional, and spatial information, amino acid conservation, physicochemical variation, residue mobility, and thermodynamic stability) indicates that this missense variant is expected to disrupt DUOX2 protein function with a positive predictive value of 80%. In summary, the available evidence is currently insufficient to determine the role of this variant in disease. Therefore, it has been classified as a Variant of Uncertain Significance.

NM_001363711.2(DUOX2):c.1562A>G (p.Asn521Ser)

Gene: DUOX2 (dual oxidase 2; minus strand). Cytogenetic location: 15q21.1.
Variant type: single nucleotide variant.
Coding change: c.1562A>G on transcript NM_001363711.2 (MANE Select); coding-DNA position 1562, A replaced by G.
Protein change: p.Asn521Ser; replaces asparagine 521 with serine.
Molecular consequence: missense variant.
Genome position (GRCh38, 1-based): chr15:45,108,059, T>C on the plus strand (A>G on the coding strand, the complement: DUOX2 is on the minus strand). VCF-style: chr15-45108059-T-C. GRCh37 (hg19) VCF-style: chr15-45400257-T-C.
Other names: c.1562A>G, p.Asn521Ser (NM_014080.5); short protein forms N521S.
Identifiers: ClinVar variation 1941067 (VCV001941067.4), dbSNP rs770190459, ClinGen allele CA7538577.